The following is an entry in ClinVar:

NM_000535.7(PMS2):c.1104C>T (p.Asn368=)

Gene: PMS2 (PMS1 homolog 2, mismatch repair system component; minus strand). Cytogenetic location: 7p22.1.
Variant type: single nucleotide variant.
Coding change: c.1104C>T on transcript NM_000535.7 (MANE Select); coding-DNA position 1104, C replaced by T.
Protein change: p.Asn368=; no amino-acid change (asparagine 368 retained).
Molecular consequence: synonymous variant. On other transcripts: non-coding transcript variant (1), intron variant (2).
Genome position (GRCh38, 1-based): chr7:5,989,840, G>A on the plus strand (C>T on the coding strand, the complement: PMS2 is on the minus strand). VCF-style: chr7-5989840-G-A. GRCh37 (hg19) VCF-style: chr7-6029471-G-A.
Other names: c.699C>T, p.Asn233= (NM_001322003.2, NM_001322004.2, NM_001322005.2 and 1 more transcripts); c.786C>T, p.Asn262= (NM_001322007.2, NM_001322008.2); c.171C>T, p.Asn57= (NM_001322011.2, NM_001322012.2); c.531C>T, p.Asn177= (NM_001322013.2); c.1104C>T, p.Asn368= (NM_001322014.2); c.795C>T, p.Asn265= (NM_001322015.2); c.583+2133C>T (NM_001322010.2); c.988+2133C>T (NM_001322006.2).
Identifiers: ClinVar variation 512448 (VCV000512448.14), dbSNP rs1554298686, ClinGen allele CA453644100.

ClinVar aggregate classification (germline): Benign/Likely benign. Review status: criteria provided, multiple submitters, no conflicts (2 of 4 stars). 4 submissions from 4 submitters: Benign (1); Likely benign (3). Last evaluated 2025-02-07.

Conditions:
Hereditary nonpolyposis colorectal neoplasms. Identifiers: MedGen C0009405, MeSH D003123.
Hereditary cancer-predisposing syndrome. Also called: Hereditary Cancer Syndrome; Neoplastic Syndromes, Hereditary; Tumor predisposition; Hereditary neoplastic syndrome. Identifiers: Orphanet 140162, MedGen C0027672, MeSH D009386, MONDO:0015356.
Lynch syndrome 4 (LYNCH4). Also called: Colorectal cancer, hereditary nonpolyposis, type 4; Hereditary non-polyposis colorectal cancer, type 4. Identifiers: Orphanet 144, MedGen C1838333, MONDO:0013699, OMIM 614337. Disease mechanism: loss of function.

gnomAD v4.1: 1 of 1,612,986 alleles (0.000062%); highest among the groups gnomAD compares: Non-Finnish European, 0.000085%; no homozygotes.

Submissions (4):

Labcorp Genetics (formerly Invitae), Labcorp
Classification: Likely benign for Hereditary nonpolyposis colorectal neoplasms. Last evaluated: 2025-02-07. Review status: criteria provided, single submitter. Criteria: Invitae Variant Classification Sherloc (09022015). Collection method: clinical testing. Allele origin: germline.

Myriad Genetics, Inc.
Classification: Benign for Lynch syndrome 4. Last evaluated: 2025-01-29. Review status: criteria provided, single submitter. Criteria: Myriad Autosomal Dominant, Autosomal Recessive and X-Linked Classification Criteria (2023). Collection method: clinical testing. Allele origin: unknown.
Comment: This variant is considered benign. This variant is a silent/synonymous amino acid change and it is not expected to impact splicing.

Ambry Genetics
Classification: Likely benign for Hereditary cancer-predisposing syndrome. Last evaluated: 2021-08-21. Review status: criteria provided, single submitter. Criteria: Ambry Variant Classification Scheme 2023. Collection method: clinical testing. Allele origin: germline.

GeneDx
Classification: Likely benign. Last evaluated: 2017-09-28. Review status: criteria provided, single submitter. Criteria: GeneDx Variant Classification (06012015). Collection method: clinical testing. Allele origin: germline. Affected: yes.
Comment: This variant is considered likely benign or benign based on one or more of the following criteria: it is a conservative change, it occurs at a poorly conserved position in the protein, it is predicted to be benign by multiple in silico algorithms, and/or has population frequency not consistent with disease.